The following is an entry in ClinVar:

ClinVar aggregate classification (germline): Pathogenic (1 of 4 stars; one submission).

Submission:

Labcorp Genetics (formerly Invitae), Labcorp
Classification: Pathogenic. Last evaluated: 2021-12-11. Review status: criteria provided, single submitter. Criteria: Invitae Variant Classification Sherloc (09022015). Collection method: clinical testing. Allele origin: germline.
Comment: For these reasons, this variant has been classified as Pathogenic. This variant has not been reported in the literature in individuals affected with TTLL5-related conditions. This variant is a gross deletion of the genomic region encompassing exon(s) 16-17 of the TTLL5 gene. This deletion is out-of-frame, and is expected to create a premature termination codon and result in an absent or disrupted protein product. Loss-of-function variants in TTLL5 are known to be pathogenic (PMID: 24791901, 27162334).

Literature cited by the submitters: PubMed 24791901; PubMed 27162334.

NC_000014.8:g.(?_76211418)_(76211944_?)del

Gene: TTLL5 (tubulin tyrosine ligase like 5; plus strand). Cytogenetic location: 14q24.3.
Variant type: Deletion.
Identifiers: ClinVar variation 2426052 (VCV002426052.3).